The following is an entry in ClinVar:

ClinVar aggregate classification (germline): Uncertain significance (1 of 4 stars; one submission).

Conditions:
Salla disease (SD). Also called: Less Severe FSASD (Salla Disease); Sialuria, Finnish type; N-acetylneuraminic acid (NANA) storage disease (NSD); Infantile sialic acid storage disorder (ISSD). Identifiers: Orphanet 309334, Orphanet 834, MedGen C1096903, MONDO:0011449, OMIM 604369.

Submission:

Labcorp Genetics (formerly Invitae), Labcorp
Classification: Uncertain significance for Salla disease. Last evaluated: 2022-06-27. Review status: criteria provided, single submitter. Criteria: Invitae Variant Classification Sherloc (09022015). Collection method: clinical testing. Allele origin: germline.
Comment: This variant results in a copy number gain of the genomic region encompassing exon(s) 10-11 of the SLC17A5 gene. This region includes the termination codon of the gene. This copy number gain extends beyond the assayed region for this gene and therefore may encompass additional genes. As the precise location of this event is unknown, it may be in tandem or it may be located elsewhere in the genome. This variant has not been reported in the literature in individuals affected with SLC17A5-related conditions. In summary, the available evidence is currently insufficient to determine the role of this variant in disease. Therefore, it has been classified as a Variant of Uncertain Significance.

NC_000006.11:g.(?_74304800)_(74310184_?)dup

Gene: SLC17A5 (solute carrier family 17 member 5; minus strand). Cytogenetic location: 6q13.
Variant type: Duplication.
Identifiers: ClinVar variation 2425812 (VCV002425812.2).